The following is an entry in ClinVar:

ClinVar aggregate classification (germline): Uncertain significance (1 of 4 stars; one submission).

Conditions:
RYR1-related disorder. Also called: RYR1-related disorders; RYR1-related condition. Identifiers: MedGen CN239331.

Allele frequency attached by ClinVar (database versions not stated): ExAC 0.00001; gnomAD exomes 0.00001.
gnomAD v4.1: 7 of 1,613,088 alleles (0.00043%); highest among the groups gnomAD compares: Admixed American, 0.005%; no homozygotes.

Submission:

Labcorp Genetics (formerly Invitae), Labcorp
Classification: Uncertain significance for RYR1-related disorder. Last evaluated: 2025-04-24. Review status: criteria provided, single submitter. Criteria: Invitae Variant Classification Sherloc (09022015). Collection method: clinical testing. Allele origin: germline.
Comment: This sequence change replaces alanine, which is neutral and non-polar, with threonine, which is neutral and polar, at codon 1826 of the RYR1 protein (p.Ala1826Thr). This variant is present in population databases (rs757710320, gnomAD 0.006%). This variant has not been reported in the literature in individuals affected with RYR1-related conditions. ClinVar contains an entry for this variant (Variation ID: 847163). Invitae Evidence Modeling of protein sequence and biophysical properties (such as structural, functional, and spatial information, amino acid conservation, physicochemical variation, residue mobility, and thermodynamic stability) indicates that this missense variant is not expected to disrupt RYR1 protein function with a negative predictive value of 80%. In summary, the available evidence is currently insufficient to determine the role of this variant in disease. Therefore, it has been classified as a Variant of Uncertain Significance.

NM_000540.3(RYR1):c.5476G>A (p.Ala1826Thr)

Gene: RYR1 (ryanodine receptor 1; plus strand). Cytogenetic location: 19q13.2.
Variant type: single nucleotide variant.
Coding change: c.5476G>A on transcript NM_000540.3 (MANE Select); coding-DNA position 5476, G replaced by A.
Protein change: p.Ala1826Thr; replaces alanine 1826 with threonine.
Molecular consequence: missense variant.
Genome position (GRCh38, 1-based): chr19:38,486,131, G>A. VCF-style: chr19-38486131-G-A. GRCh37 (hg19) VCF-style: chr19-38976771-G-A.
Other names: c.5476G>A, p.Ala1826Thr (NM_001042723.2); short protein forms A1826T.
Identifiers: ClinVar variation 847163 (VCV000847163.8), dbSNP rs757710320, ClinGen allele CA067149.